The following is an entry in ClinVar:

ClinVar aggregate classification (germline): Uncertain significance. Review status: criteria provided, multiple submitters, no conflicts (2 of 4 stars). 2 submissions from 2 submitters: Uncertain significance (2). Last evaluated 2025-01-20.

Conditions:
Inborn genetic diseases. Identifiers: MedGen C0950123, MeSH D030342.
Developmental delay, behavioral abnormalities, and neuropsychiatric disorders (DEDBANP). Identifiers: MedGen C5774224, MONDO:0859292, OMIM 620065.

Allele frequency attached by ClinVar (database versions not stated): ExAC 0.00001; gnomAD exomes 0.00001; TOPMed 0.00001.

Submissions (2):

Foundation for Research in Genetics and Endocrinology, FRIGE's Institute of Human Genetics
Classification: Uncertain significance for Developmental delay, behavioral abnormalities, and neuropsychiatric disorders. Last evaluated: 2025-01-20. Review status: criteria provided, single submitter. Criteria: ACMG Guidelines, 2015. Collection method: clinical testing. Allele origin: germline. Inheritance: Autosomal dominant inheritance. Affected: yes. Observed: 1 heterozygote.
Comment: A heterozygous missense variant in exon 19 of the ADGRL1 gene that results in the amino acid substitution of Cysteine for Serine at codon 1110 was detected. The observed variant c.3329C>G (p.Ser1110Cys) has not been reported in the 1000 genomes and has a MAF of 0.0008% in the gnomAD databases. The in-silico prediction of the variant is deleterious by MutationTaster2 and DANN. In summary, the variant meets our criteria to be classified as a variant of uncertain significance.

Ambry Genetics
Classification: Uncertain significance for Inborn genetic diseases. Last evaluated: 2022-06-24. Review status: criteria provided, single submitter. Criteria: Ambry Variant Classification Scheme 2023. Collection method: clinical testing. Allele origin: germline.

NM_014921.5(ADGRL1):c.3329C>G (p.Ser1110Cys)

Genes: ADGRL1 (adhesion G protein-coupled receptor L1; minus strand), ADGRL1-AS1 (ADGRL1 antisense RNA 1; plus strand). Cytogenetic location: 19p13.12.
Variant type: single nucleotide variant.
Coding change: c.3329C>G on transcript NM_014921.5 (MANE Select); coding-DNA position 3329, C replaced by G.
Protein change: p.Ser1110Cys; replaces serine 1110 with cysteine.
Molecular consequence: missense variant.
Genome position (GRCh38, 1-based): chr19:14,152,878, G>C on the plus strand (C>G on the coding strand, the complement: ADGRL1 is on the minus strand). VCF-style: chr19-14152878-G-C. GRCh37 (hg19) VCF-style: chr19-14263690-G-C.
Other names: p.Ser1110Cys; c.3344C>G, p.Ser1115Cys (NM_001008701.3); short protein forms S1110C, S1115C.
Identifiers: ClinVar variation 2296453 (VCV002296453.4), dbSNP rs746353894, ClinGen allele CA9250120.